The following is an entry in ClinVar:

ClinVar aggregate classification (germline): Benign/Likely benign. Review status: criteria provided, multiple submitters, no conflicts (2 of 4 stars). 4 submissions from 4 submitters: Benign (2); Likely benign (1). 1 of the submissions does not count toward it. Last evaluated 2026-07-01.

Conditions:
ATN1-related disorder. Also called: ATN1-related condition; ATN1-related disorders.

Allele frequency attached by ClinVar (database versions not stated): 1000 Genomes Project 0.00080; 1000 Genomes Project 30x 0.00094; ExAC 0.00188; gnomAD 0.00226; ESP Exome Variant Server 0.00246; TOPMed 0.00258; gnomAD exomes 0.00411.
gnomAD v4.1: 6,387 of 1,614,116 alleles (0.4%); highest among the groups gnomAD compares: Non-Finnish European, 0.5%; 18 homozygotes.

Submissions (4):

CeGaT Center for Human Genetics Tuebingen
Classification: Benign. Last evaluated: 2026-07-01. Review status: criteria provided, single submitter. Criteria: CeGaT Center For Human Genetics Tuebingen Variant Classification Criteria Version 2. Collection method: clinical testing. Allele origin: germline. Affected: yes. Observed: 13 variant alleles.
Comment: ATN1: BS1, BS2

ARUP Laboratories, Molecular Genetics and Genomics, ARUP Laboratories
Classification: Benign. Last evaluated: 2025-02-06. Review status: criteria provided, single submitter. Criteria: ARUP Molecular Germline Variant Investigation Process 2024. Collection method: clinical testing. Allele origin: germline.

Blueprint Genetics
Classification: Likely benign. Last evaluated: 2024-11-20. Review status: criteria provided, single submitter. Criteria: ACMG Guidelines, 2015. Collection method: clinical testing. Allele origin: germline.

PreventionGenetics, part of Exact Sciences
Classification: Likely benign for ATN1-related condition. Last evaluated: 2020-02-05. Review status: no assertion criteria provided. Collection method: clinical testing. Allele origin: germline. Not counted in ClinVar's aggregate classification.
Comment: This variant is classified as likely benign based on ACMG/AMP sequence variant interpretation guidelines (Richards et al. 2015 PMID: 25741868, with internal and published modifications).

NM_001940.4(ATN1):c.2823C>G (p.Asp941Glu)

Gene: ATN1 (atrophin 1; plus strand). Cytogenetic location: 12p13.31.
Variant type: single nucleotide variant.
Coding change: c.2823C>G on transcript NM_001940.4 (MANE Select); coding-DNA position 2823, C replaced by G.
Protein change: p.Asp941Glu; replaces aspartic acid 941 with glutamic acid.
Molecular consequence: missense variant.
Genome position (GRCh38, 1-based): chr12:6,938,786, C>G. VCF-style: chr12-6938786-C-G. GRCh37 (hg19) VCF-style: chr12-7047949-C-G.
Other names: c.2823C>G, p.Asp941Glu (NM_001007026.2, NM_001424176.1, NM_001424177.1 and 1 more transcripts); c.2820C>G, p.Asp940Glu (NM_001424179.1, NM_001424180.1); c.2802C>G, p.Asp934Glu (NM_001424181.1); c.2799C>G, p.Asp933Glu (NM_001424182.1); c.2823C>G (NM_001007026.1); short protein forms D933E, D934E, D940E, D941E.
Identifiers: ClinVar variation 2642656 (VCV002642656.28), dbSNP rs146691350, ClinGen allele CA6420896.